The following is an entry in ClinVar:

ClinVar aggregate classification (germline): Uncertain significance. Review status: criteria provided, multiple submitters, no conflicts (2 of 4 stars). 2 submissions from 2 submitters: Uncertain significance (2). Last evaluated 2025-07-15.

Conditions:
Autosomal recessive limb-girdle muscular dystrophy type 2C (LGMDR5). Also called: MUSCULAR DYSTROPHY, LIMB-GIRDLE, AUTOSOMAL RECESSIVE 5; MUSCULAR DYSTROPHY, DUCHENNE-LIKE. Identifiers: Orphanet 353, MedGen C0410173, MONDO:0009677, OMIM 253700. Disease mechanism: Affects gamma-sarcoglycan and also disrupts the integrity of the entire sarcoglycan complex..

Allele frequency attached by ClinVar (database versions not stated): gnomAD exomes below 0.00001; TOPMed below 0.00001; gnomAD 0.00001.
gnomAD v4.1: 2 of 1,601,230 alleles (0.00012%); highest among the groups gnomAD compares: Non-Finnish European, 0.00017%; no homozygotes.

Submissions (2):

Labcorp Genetics (formerly Invitae), Labcorp
Classification: Uncertain significance for Autosomal recessive limb-girdle muscular dystrophy type 2C. Last evaluated: 2025-07-15. Review status: criteria provided, single submitter. Criteria: Invitae Variant Classification Sherloc (09022015). Collection method: clinical testing. Allele origin: germline.
Comment: This sequence change replaces serine, which is neutral and polar, with proline, which is neutral and non-polar, at codon 64 of the SGCG protein (p.Ser64Pro). This variant is not present in population databases (gnomAD no frequency). This variant has not been reported in the literature in individuals affected with SGCG-related conditions. ClinVar contains an entry for this variant (Variation ID: 283258). Invitae Evidence Modeling of protein sequence and biophysical properties (such as structural, functional, and spatial information, amino acid conservation, physicochemical variation, residue mobility, and thermodynamic stability) has been performed for this missense variant. However, the output from this modeling did not meet the statistical confidence thresholds required to predict the impact of this variant on SGCG protein function. In summary, the available evidence is currently insufficient to determine the role of this variant in disease. Therefore, it has been classified as a Variant of Uncertain Significance.

Eurofins Ntd Llc (ga)
Classification: Uncertain significance. Last evaluated: 2015-09-17. Review status: criteria provided, single submitter. Criteria: EGL Classification Definitions 2015. Collection method: clinical testing. Allele origin: germline. Observed: 1 variant allele, 1 heterozygote.

NM_000231.3(SGCG):c.190T>C (p.Ser64Pro)

Gene: SGCG (sarcoglycan gamma; plus strand). Cytogenetic location: 13q12.12.
Variant type: single nucleotide variant.
Coding change: c.190T>C on transcript NM_000231.3 (MANE Select); coding-DNA position 190, T replaced by C.
Protein change: p.Ser64Pro; replaces serine 64 with proline.
Molecular consequence: missense variant.
Genome position (GRCh38, 1-based): chr13:23,203,884, T>C. VCF-style: chr13-23203884-T-C. GRCh37 (hg19) VCF-style: chr13-23778023-T-C.
Other names: c.244T>C, p.Ser82Pro (NM_001378244.1); c.190T>C, p.Ser64Pro (NM_001378245.1, NM_001378246.1); short protein forms S64P, S82P.
Identifiers: ClinVar variation 283258 (VCV000283258.13), dbSNP rs886042587, ClinGen allele CA10604440.